The following is an entry in ClinVar:

ClinVar aggregate classification (germline): Uncertain significance (1 of 4 stars; one submission).

Submission:

Labcorp Genetics (formerly Invitae), Labcorp
Classification: Uncertain significance. Last evaluated: 2025-05-06. Review status: criteria provided, single submitter. Criteria: Invitae Variant Classification Sherloc (09022015). Collection method: clinical testing. Allele origin: germline.
Comment: This sequence change affects codon 326 of the RNF113A mRNA. It is a 'silent' change, meaning that it does not change the encoded amino acid sequence of the RNF113A protein. This variant is present in population databases (rs761808539, gnomAD 0.008%). This variant has not been reported in the literature in individuals affected with RNF113A-related conditions. ClinVar contains an entry for this variant (Variation ID: 3607717). In summary, the available evidence is currently insufficient to determine the role of this variant in disease. Therefore, it has been classified as a Variant of Uncertain Significance.

NM_006978.3(RNF113A):c.978T>C (p.Gly326=)

Gene: RNF113A (ring finger protein 113A; minus strand). Cytogenetic location: Xq24.
Variant type: single nucleotide variant.
Coding change: c.978T>C on transcript NM_006978.3 (MANE Select); coding-DNA position 978, T replaced by C.
Protein change: p.Gly326=; no amino-acid change (glycine 326 retained).
Molecular consequence: synonymous variant.
Genome position (GRCh38, 1-based): chrX:119,870,636, A>G on the plus strand (T>C on the coding strand, the complement: RNF113A is on the minus strand). VCF-style: chrX-119870636-A-G. GRCh37 (hg19) VCF-style: chrX-119004599-A-G.
Identifiers: ClinVar variation 3607717 (VCV003607717.2).
Genomic context (GRCh38, chrX:119,870,636, plus strand): 5'-GGAAACCTAAGTAATGGGAATTGCATCCTCATCGGGGTCTTCTGGCAAGTCGGAAGCACC[A>G]CCCTCTCCTGTAGCTCGATGCTTCTCTAGTTTAGCAATCAATTCTTTCGCTGGATTGAAG-3'
Protein context (NP_008909.1, residues 316-336): KLEKHRATGE[Gly326=]GASDLPEDPD